The following is an entry in ClinVar:

NM_007294.4(BRCA1):c.4126_4129del (p.Thr1376fs)

Gene: BRCA1 (BRCA1 DNA repair associated; minus strand). Cytogenetic location: 17q21.31.
Variant type: Deletion.
Coding change: c.4126_4129del on transcript NM_007294.4 (MANE Select); coding-DNA positions 4126 to 4129, 4 bases deleted (ACAA; older notation c.4126_4129delACAA).
Protein change: p.Thr1376fs; shifts the reading frame from threonine 1376.
Molecular consequence: frameshift variant. On other transcripts: non-coding transcript variant (1).
Genome position (GRCh38, 1-based): chr17:43,091,000-43,091,003, TTGT deleted on the plus strand (ACAA on the coding strand, the reverse complement: BRCA1 is on the minus strand); deleting any 4 consecutive bases within chr17:43,091,000-43,091,005 gives the same sequence; the c. name uses the placement nearest the transcript's 3' end. VCF-style (leftmost placement, unchanged base first): chr17-43090999-CTTGT-C. GRCh37 (hg19) VCF-style: chr17-41243016-CTTGT-C.
Other names: 4245delACAA; c.605_608delAAAC, p.Thr203Alafs (NM_001408482.1, NM_001408483.1, NM_001408484.1 and 9 more transcripts); c.602_605delAAAC, p.Thr202Alafs (NM_001408490.1, NM_001408491.1, NM_001408493.1); c.575_578delAAAC, p.Thr193Alafs (NM_001408494.1); c.572_575delAAAC, p.Thr192Alafs (NM_001408495.1); c.551_554delAAAC, p.Thr185Alafs (NM_001408496.1, NM_001408497.1, NM_001408498.1 and 3 more transcripts); c.482_485delAAAC, p.Thr162Alafs (NM_001408502.1); c.548_551delAAAC, p.Thr184Alafs (NM_001408503.1, NM_001408504.1, NM_001408505.1); and 45 more; short protein forms T1329fs, T273fs, T1376fs.
Identifiers: ClinVar variation 266448 (VCV000266448.7), dbSNP rs886040206, ClinGen allele CA10589687.

ClinVar aggregate classification (germline): Pathogenic. Review status: reviewed by expert panel (3 of 4 stars). 2 submissions from 2 submitters: Pathogenic (1). 1 of the submissions does not count toward it. Last evaluated 2016-10-18.

Conditions:
Breast-ovarian cancer, familial, susceptibility to, 1 (BROVCA1). Also called: BRCA1 Hereditary Breast and Ovarian Cancer; OVARIAN CANCER, SUSCEPTIBILITY TO. Identifiers: Orphanet 145, MedGen C2676676, MONDO:0011450, OMIM 604370. Disease mechanism: loss of function.

Submissions (2):

Evidence-based Network for the Interpretation of Germline Mutant Alleles (ENIGMA)
Classification: Pathogenic for Breast-ovarian cancer, familial, susceptibility to, 1. Last evaluated: 2016-10-18. Review status: reviewed by expert panel. Criteria: ENIGMA BRCA1/2 Classification Criteria (2015). Collection method: curation. Allele origin: germline.
Comment: Variant allele predicted to encode a truncated non-functional protein.

Consortium of Investigators of Modifiers of BRCA1/2 (CIMBA), c/o University of Cambridge
Classification: Pathogenic for Breast-ovarian cancer, familial, susceptibility to, 1. Last evaluated: 2015-10-02. Review status: criteria provided, single submitter. Criteria: CIMBA Mutation Classification guidelines May 2016. Collection method: clinical testing. Allele origin: germline. Not counted in ClinVar's aggregate classification.